The following is an entry in ClinVar:

ClinVar aggregate classification (germline): Conflicting classifications of pathogenicity. Review status: criteria provided, conflicting classifications (1 of 4 stars). 19 submissions from 15 submitters: Uncertain significance (8); Likely benign (11). Last evaluated 2026-08-01.

Conditions:
TTN-related disorder. Also called: TTN-related disorders; TTN-related condition; TTN-related disease.
Cardiovascular phenotype. Identifiers: MedGen CN230736.
Autosomal recessive limb-girdle muscular dystrophy type 2J (LGMDR10). Also called: MUSCULAR DYSTROPHY, LIMB-GIRDLE, AUTOSOMAL RECESSIVE 10; Limb-girdle muscular dystrophy, type 2J. Identifiers: Orphanet 140922, MedGen C1837342, MONDO:0012127, OMIM 608807.
Dilated cardiomyopathy 1G (CMD1G). Identifiers: Orphanet 154, MedGen C1858763, MONDO:0011400, OMIM 604145.
Arrhythmogenic right ventricular cardiomyopathy (ARVD). Also called: Arrhythmogenic Right Ventricular Cardiomyopathy (ARVC); Cardiomyopathy, ARVC; Arrhythmogenic right ventricular dysplasia; Arrhythmogenic cardiomyopathy. Identifiers: Orphanet 247, MedGen C0349788, MeSH D019571, MONDO:0016587. Disease mechanism: loss of function. Inheritance: Various modes of inheritance.
Cardiomyopathy (CMYO). Also called: Cardiomyopathies. Identifiers: Orphanet 167848, MedGen C0878544, MONDO:0004994, HP:0001638. Inheritance: Various modes of inheritance.
Early-onset myopathy with fatal cardiomyopathy (CMYO5). Also called: CONGENITAL MYOPATHY 5 WITH CARDIOMYOPATHY; Salih Myopathy. Identifiers: Orphanet 289377, MedGen C2673677, MONDO:0012714, OMIM 611705. Disease mechanism: loss of function.
Myopathy, myofibrillar, 9, with early respiratory failure (MFM9). Also called: Myopathy, distal, with early respiratory failure, autosomal dominant; Hereditary myopathy with early respiratory failure; EDSTROM MYOPATHY; MYOPATHY, PROXIMAL, WITH EARLY RESPIRATORY MUSCLE INVOLVEMENT. Identifiers: Orphanet 178464, Orphanet 34521, MedGen C1863599, MONDO:0011362, OMIM 603689.
Tibial muscular dystrophy (TMD). Also called: Tibial muscular dystrophy, tardive; Udd Distal Myopathy – Tibial Muscular Dystrophy; UDD MYOPATHY. Identifiers: Orphanet 609, MedGen C1838244, MONDO:0010870, OMIM 600334.

Allele frequency attached by ClinVar (database versions not stated): gnomAD exomes 0.00010 and 0.00020; ESP Exome Variant Server 0.00008; gnomAD 0.00013; ExAC 0.00016; TOPMed 0.00017.
gnomAD v4.1: 173 of 1,612,808 alleles (0.011%); highest among the groups gnomAD compares: Middle Eastern, 0.18%; 3 homozygotes.

Submissions (19):

CeGaT Center for Human Genetics Tuebingen
Classification: Likely benign. Last evaluated: 2026-08-01. Review status: criteria provided, single submitter. Criteria: CeGaT Center For Human Genetics Tuebingen Variant Classification Criteria Version 2. Collection method: clinical testing. Allele origin: germline. Affected: yes. Observed: 4 variant alleles.
Comment: TTN: BP4

PreventionGenetics, part of Exact Sciences
Classification: Likely benign for TTN-related condition. Last evaluated: 2026-03-09. Review status: criteria provided, single submitter. Criteria: ACMG Guidelines, 2015. Collection method: clinical testing. Allele origin: germline.
Comment: This variant is classified as likely benign based on ACMG/AMP sequence variant interpretation guidelines (Richards et al. 2015 PMID: 25741868, with internal and published modifications).

Women's Health and Genetics/Laboratory Corporation of America, LabCorp
Classification: Likely benign. Last evaluated: 2025-11-17. Review status: criteria provided, single submitter. Criteria: LabCorp Variant Classification Summary - May 2015. Collection method: clinical testing. Allele origin: germline.
Comment: Variant summary: TTN c.29327A>G (p.Tyr9776Cys) results in a non-conservative amino acid change in the encoded protein sequence. Algorithms developed to predict the effect of missense changes on protein structure and function are either unavailable or do not agree on the potential impact of this missense change. The variant allele was found at a frequency of 0.0002 in 248678 control chromosomes, predominantly at a frequency of 0.00049 within the Latino subpopulation in the gnomAD database. The observed variant frequency within Latino control individuals in the gnomAD database exceeds the estimated maximal expected allele frequency for disease-causing variants in TTN. To our knowledge, no occurrence of c.29327A>G in individuals affected with TTN-related conditions and no experimental evidence demonstrating its impact on protein function have been reported. ClinVar contains an entry for this variant (Variation ID: 46883). Based on the evidence outlined above, the variant was classified as likely benign.

Revvity Omics, Revvity
Classification: Uncertain significance. Last evaluated: 2025-08-06. Review status: criteria provided, single submitter. Criteria: ACMG Guidelines, 2015. Collection method: clinical testing. Allele origin: germline.

Mayo Clinic Laboratories, Mayo Clinic
Classification: Uncertain significance. Last evaluated: 2025-08-02. Review status: criteria provided, single submitter. Criteria: ACMG Guidelines, 2015. Collection method: clinical testing. Allele origin: germline. Observed: 1 variant allele.
Comment: BP4

Molecular Diagnostic Laboratory for Inherited Cardiovascular Disease, Montreal Heart Institute
Classification: Likely benign. Last evaluated: 2025-04-09. Review status: criteria provided, single submitter. Criteria: ACMG Guidelines, 2015. Collection method: clinical testing. Allele origin: germline. Affected: no.

Blueprint Genetics
Classification: Likely benign. Last evaluated: 2024-02-23. Review status: criteria provided, single submitter. Criteria: ACMG Guidelines, 2015. Collection method: clinical testing. Allele origin: germline.

Ambry Genetics
Classification: Likely benign for Cardiovascular phenotype. Last evaluated: 2021-10-19. Review status: criteria provided, single submitter. Criteria: Ambry Variant Classification Scheme 2023. Collection method: clinical testing. Allele origin: germline.

GeneDx
Classification: Likely benign. Last evaluated: 2021-05-06. Review status: criteria provided, single submitter. Criteria: GeneDx Variant Classification Process June 2021. Collection method: clinical testing. Allele origin: germline. Affected: yes.
Comment: This variant is associated with the following publications: (PMID: 30847666)

CHEO Genetics Diagnostic Laboratory, Children's Hospital of Eastern Ontario
Classification: Likely benign for Cardiomyopathy. Last evaluated: 2018-11-21. Review status: criteria provided, single submitter. Criteria: ACMG Guidelines, 2015. Collection method: clinical testing. Allele origin: germline.

Eurofins Ntd Llc (ga)
Classification: Uncertain significance. Last evaluated: 2018-08-20. Review status: criteria provided, single submitter. Criteria: EGL ClinVar v180209 classification definitions. Collection method: clinical testing. Allele origin: germline. Observed: 4 variant alleles, 4 heterozygotes.

Illumina Laboratory Services, Illumina
Classification: Likely benign for Myopathy, myofibrillar, 9, with early respiratory failure. Last evaluated: 2018-01-13. Review status: criteria provided, single submitter. Criteria: ICSL Variant Classification Criteria 13 December 2019. Collection method: clinical testing. Allele origin: germline.
Comment: This variant was observed in the ICSL laboratory as part of a predisposition screen in an ostensibly healthy population. It had not been previously curated by ICSL or reported in the Human Gene Mutation Database (HGMD: prior to June 1st, 2018), and was therefore a candidate for classification through an automated scoring system. Utilizing variant allele frequency, disease prevalence and penetrance estimates, and inheritance mode, an automated score was calculated to assess if this variant is too frequent to cause the disease. Based on the score and internal cut-off values, a variant classified as likely benign is not then subjected to further curation. The score for this variant resulted in a classification of likely benign for this disease.

Illumina Laboratory Services, Illumina
Classification: Likely benign for Tibial muscular dystrophy. Last evaluated: 2018-01-13. Review status: criteria provided, single submitter. Criteria: ICSL Variant Classification Criteria 13 December 2019. Collection method: clinical testing. Allele origin: germline.
Comment: the same text as in the submission from Illumina Laboratory Services, Illumina above.

Illumina Laboratory Services, Illumina
Classification: Uncertain significance for Autosomal recessive limb-girdle muscular dystrophy type 2J. Last evaluated: 2018-01-13. Review status: criteria provided, single submitter. Criteria: ICSL Variant Classification Criteria 13 December 2019. Collection method: clinical testing. Allele origin: germline.

Illumina Laboratory Services, Illumina
Classification: Uncertain significance for Early-onset myopathy with fatal cardiomyopathy. Last evaluated: 2018-01-13. Review status: criteria provided, single submitter. Criteria: ICSL Variant Classification Criteria 13 December 2019. Collection method: clinical testing. Allele origin: germline.

Illumina Laboratory Services, Illumina
Classification: Uncertain significance for Dilated cardiomyopathy 1G. Last evaluated: 2018-01-13. Review status: criteria provided, single submitter. Criteria: ICSL Variant Classification Criteria 13 December 2019. Collection method: clinical testing. Allele origin: germline.

Center for Advanced Laboratory Medicine, UC San Diego Health, University of California San Diego
Classification: Likely benign for Arrhythmogenic right ventricular cardiomyopathy. Last evaluated: 2017-08-16. Review status: criteria provided, single submitter. Criteria: ACMG Guidelines, 2015. Collection method: clinical testing. Allele origin: germline. Affected: yes. Observed: 1 variant allele.

Labcorp Genetics (formerly Invitae), Labcorp
Classification: Uncertain significance for Dilated cardiomyopathy 1G; Autosomal recessive limb-girdle muscular dystrophy type 2J. Last evaluated: 2017-05-16. Review status: criteria provided, single submitter. Criteria: Invitae Variant Classification Sherloc (09022015). Collection method: clinical testing. Allele origin: germline.

Laboratory for Molecular Medicine, Mass General Brigham Personalized Medicine
Classification: Uncertain significance. Last evaluated: 2012-11-27. Review status: criteria provided, single submitter. Criteria: LMM Criteria. Collection method: clinical testing. Allele origin: germline. Observed: 1 variant allele.
Comment: Variant classified as Uncertain Significance - Favor Benign. The Tyr9776Cys vari ant in TTN has not been reported in the literature nor previously identified by our laboratory. This variant has been identified in 1/8230 European American chr omosomes from a broad population by the NHLBI Exome Sequencing Project (dbSNP rs72650035). In addition, tyrosine (Tyr) at posi tion 9776 is not conserved in multiple mammals nor in distantly related species and computational analyses (biochemical amino acid properties, AlignGVGD, PolyPh en2, and SIFT) suggest that this variant may not impact the protein, though this information is not predictive enough to rule out pathogenicity. In summary, the lack of conservation in some primates and most non-primates supports that this variant may be benign, but additional information is needed to fully assess its clinical significance.

Literature cited by the submitters: PubMed 30847666 (cited by Mayo Clinic Laboratories, Mayo Clinic); PubMed 38612618 (cited by Mayo Clinic Laboratories, Mayo Clinic).

NM_001267550.2(TTN):c.33059A>G (p.Tyr11020Cys)

Gene: TTN (titin; minus strand). Cytogenetic location: 2q31.2.
Variant type: single nucleotide variant.
Coding change: c.33059A>G on transcript NM_001267550.2 (MANE Select); coding-DNA position 33059, A replaced by G.
Protein change: p.Tyr11020Cys; replaces tyrosine 11020 with cysteine.
Molecular consequence: missense variant. On other transcripts: intron variant (3).
Genome position (GRCh38, 1-based): chr2:178,682,732, T>C on the plus strand (A>G on the coding strand, the complement: TTN is on the minus strand). VCF-style: chr2-178682732-T-C. GRCh37 (hg19) VCF-style: chr2-179547459-T-C.
Other names: p.Y10703C:TAT>TGT; c.32108A>G, p.Tyr10703Cys (NM_001256850.1); c.29327A>G, p.Tyr9776Cys (NM_133378.4); c.13283-40415A>G (NM_003319.4); c.13859-40415A>G (NM_133437.4); c.13658-40415A>G (NM_133432.3); short protein forms Y11020C, Y9776C, Y10703C.
Identifiers: ClinVar variation 46883 (VCV000046883.69), dbSNP rs72650035, ClinGen allele CA139431.